The following is an entry in ClinVar:

ClinVar aggregate classification (germline): Benign/Likely benign. Review status: criteria provided, multiple submitters, no conflicts (2 of 4 stars). 3 submissions from 3 submitters: Benign (1); Likely benign (2). Last evaluated 2025-01-22.

Conditions:
Hereditary cancer-predisposing syndrome. Also called: Hereditary Cancer Syndrome; Neoplastic Syndromes, Hereditary; Tumor predisposition; Hereditary neoplastic syndrome. Identifiers: Orphanet 140162, MedGen C0027672, MeSH D009386, MONDO:0015356.
Familial cancer of breast. Also called: hereditary breast carcinoma; BREAST CANCER, FAMILIAL; Hereditary breast cancer. Identifiers: Orphanet 227535, MedGen C0346153, MONDO:0016419, OMIM 114480. Disease mechanism: loss of function.

Allele frequency attached by ClinVar (database versions not stated): gnomAD exomes below 0.00001.

Submissions (3):

Myriad Genetics, Inc.
Classification: Benign for Familial cancer of breast. Last evaluated: 2025-01-22. Review status: criteria provided, single submitter. Criteria: Myriad Autosomal Dominant, Autosomal Recessive and X-Linked Classification Criteria (2023). Collection method: clinical testing. Allele origin: unknown.
Comment: This variant is considered benign. This variant is a silent/synonymous amino acid change and it is not expected to impact splicing.

Ambry Genetics
Classification: Likely benign for Hereditary cancer-predisposing syndrome. Last evaluated: 2024-04-10. Review status: criteria provided, single submitter. Criteria: Ambry Variant Classification Scheme 2023. Collection method: clinical testing. Allele origin: germline.

Labcorp Genetics (formerly Invitae), Labcorp
Classification: Likely benign for Familial cancer of breast. Last evaluated: 2022-07-12. Review status: criteria provided, single submitter. Criteria: Invitae Variant Classification Sherloc (09022015). Collection method: clinical testing. Allele origin: germline.

NM_024675.4(PALB2):c.3414C>T (p.Ala1138=)

Gene: PALB2 (partner and localizer of BRCA2; minus strand). Cytogenetic location: 16p12.2.
Variant type: single nucleotide variant.
Coding change: c.3414C>T on transcript NM_024675.4 (MANE Select); coding-DNA position 3414, C replaced by T.
Protein change: p.Ala1138=; no amino-acid change (alanine 1138 retained).
Molecular consequence: synonymous variant.
Genome position (GRCh38, 1-based): chr16:23,603,606, G>A on the plus strand (C>T on the coding strand, the complement: PALB2 is on the minus strand). VCF-style: chr16-23603606-G-A. GRCh37 (hg19) VCF-style: chr16-23614927-G-A.
Other names: c.3414C>T (NM_024675.3).
Identifiers: ClinVar variation 1083446 (VCV001083446.12), dbSNP rs2142254371, ClinGen allele CA494173683.